The following is an entry in ClinVar:

NM_004380.3(CREBBP):c.239C>G (p.Ser80Cys)

Gene: CREBBP (CREB binding lysine acetyltransferase; minus strand). Cytogenetic location: 16p13.3.
Variant type: single nucleotide variant.
Coding change: c.239C>G on transcript NM_004380.3 (MANE Select); coding-DNA position 239, C replaced by G.
Protein change: p.Ser80Cys; replaces serine 80 with cysteine.
Molecular consequence: missense variant.
Genome position (GRCh38, 1-based): chr16:3,850,856, G>C on the plus strand (C>G on the coding strand, the complement: CREBBP is on the minus strand). VCF-style: chr16-3850856-G-C. GRCh37 (hg19) VCF-style: chr16-3900857-G-C.
Other names: c.239C>G, p.Ser80Cys (NM_001079846.1); short protein forms S80C.
Identifiers: ClinVar variation 1034082 (VCV001034082.1), dbSNP rs1318683084, ClinGen allele CA394561953.

ClinVar aggregate classification (germline): Uncertain significance (1 of 4 stars; one submission).

Conditions:
Rubinstein-Taybi syndrome due to CREBBP mutations (RSTS1). Also called: BROAD THUMBS AND GREAT TOES, CHARACTERISTIC FACIES, AND IMPAIRED INTELLECTUAL DEVELOPMENT; RUBINSTEIN-TAYBI SYNDROME 1, INCOMPLETE; RUBINSTEIN SYNDROME; BROAD THUMB-HALLUX SYNDROME; Rubinstein-Taybi syndrome 1; CREBBP-Related Rubinstein-Taybi Syndrome. Identifiers: Orphanet 353277, Orphanet 783, MedGen C4551859, MONDO:0008393, OMIM 180849.

Allele frequency attached by ClinVar (database versions not stated): gnomAD exomes below 0.00001.
gnomAD v4.1: 1 of 1,614,164 alleles (0.000062%); highest among the groups gnomAD compares: Non-Finnish European, 0.000085%; no homozygotes.

Submission:

Baylor Genetics
Classification: Uncertain significance for Rubinstein-Taybi syndrome due to CREBBP mutations. Last evaluated: 2018-02-21. Review status: criteria provided, single submitter. Criteria: ACMG Guidelines, 2015. Collection method: clinical testing. Allele origin: paternal. Affected: yes.
Comment: This variant was determined to be of uncertain significance according to ACMG Guidelines, 2015 [PMID:25741868].